The following is an entry in ClinVar:

NM_000719.7(CACNA1C):c.5408G>A (p.Arg1803Gln)

Genes: CACNA1C (calcium voltage-gated channel subunit alpha1 C; plus strand), CACNA1C-AS1 (CACNA1C antisense RNA 1; minus strand). Cytogenetic location: 12p13.33.
Variant type: single nucleotide variant.
Coding change: c.5408G>A on transcript NM_000719.7 (MANE Select); coding-DNA position 5408, G replaced by A.
Protein change: p.Arg1803Gln; replaces arginine 1803 with glutamine.
Molecular consequence: missense variant.
Genome position (GRCh38, 1-based): chr12:2,679,760, G>A. VCF-style: chr12-2679760-G-A. GRCh37 (hg19) VCF-style: chr12-2788926-G-A.
Other names: c.5552G>A, p.Arg1851Gln (NM_001129827.2, NM_199460.4); c.5531G>A, p.Arg1844Gln (NM_001129829.2); c.5408G>A, p.Arg1803Gln (NM_001129830.3, NM_001129840.2, NM_001129841.2 and 4 more transcripts); c.5492G>A, p.Arg1831Gln (NM_001129831.2); c.5468G>A, p.Arg1823Gln (NM_001129832.2); c.5465G>A, p.Arg1822Gln (NM_001129833.2, NM_001129834.2, NM_001129835.2); c.5459G>A, p.Arg1820Gln (NM_001129836.2); c.5432G>A, p.Arg1811Gln (NM_001129837.2, NM_001129838.2); and 3 more; short protein forms R1803Q, R1851Q, R1822Q, R1844Q, R1823Q, R1831Q, R1792Q, R1820Q.
Identifiers: ClinVar variation 219520 (VCV000219520.15), dbSNP rs201918158, ClinGen allele CA349777.

ClinVar aggregate classification (germline): Conflicting classifications of pathogenicity. Review status: criteria provided, conflicting classifications (1 of 4 stars). 3 submissions from 3 submitters: Uncertain significance (2); Likely benign (1). Last evaluated 2026-02-27.

Conditions:
CACNA1C-related disorder. Also called: CACNA1C-related disorders; CACNA1C-related condition. Identifiers: MedGen CN381092, MONDO:0700321.
Cardiovascular phenotype. Identifiers: MedGen CN230736.
Long QT syndrome (LQTS). Identifiers: MedGen C0023976, MeSH D008133, MONDO:0002442. Disease mechanism: loss of function. Inheritance: Various modes of inheritance.

Allele frequency attached by ClinVar (database versions not stated): TOPMed 0.00003; gnomAD 0.00003.
gnomAD v4.1: 31 of 1,587,750 alleles (0.002%); highest among the groups gnomAD compares: East Asian, 0.012%; no homozygotes.

Submissions (3):

PreventionGenetics, part of Exact Sciences
Classification: Uncertain significance for CACNA1C-related condition. Last evaluated: 2026-02-27. Review status: criteria provided, single submitter. Criteria: ACMG Guidelines, 2015. Collection method: clinical testing. Allele origin: germline.
Comment: The CACNA1C c.5408G>A variant is predicted to result in the amino acid substitution p.Arg1803Gln. To our knowledge, this variant has not been reported in the literature. This variant is reported in 0.0061% of alleles in individuals of East Asian descent in gnomAD. At this time, the clinical significance of this variant is uncertain due to the absence of conclusive functional and genetic evidence.

Labcorp Genetics (formerly Invitae), Labcorp
Classification: Likely benign for Long QT syndrome. Last evaluated: 2025-10-02. Review status: criteria provided, single submitter. Criteria: Invitae Variant Classification Sherloc (09022015). Collection method: clinical testing. Allele origin: germline.

Ambry Genetics
Classification: Uncertain significance for Cardiovascular phenotype. Last evaluated: 2025-04-02. Review status: criteria provided, single submitter. Criteria: Ambry Variant Classification Scheme 2023. Collection method: clinical testing. Allele origin: germline.
Comment: The p.R1803Q variant (also known as c.5408G>A), located in coding exon 42 of the CACNA1C gene, results from a G to A substitution at nucleotide position 5408. The arginine at codon 1803 is replaced by glutamine, an amino acid with highly similar properties. This amino acid position is not well conserved in available vertebrate species. In addition, this alteration is predicted to be tolerated by in silico analysis. Since supporting evidence is limited at this time, the clinical significance of this alteration remains unclear.